The following is an entry in ClinVar:

ClinVar aggregate classification (germline): Pathogenic (1 of 4 stars; one submission).

Conditions:
Tuberous sclerosis 2 (TSC2). Identifiers: Orphanet 805, MedGen C1860707, MONDO:0013199, OMIM 613254.

Submission:

Labcorp Genetics (formerly Invitae), Labcorp
Classification: Pathogenic for Tuberous sclerosis 2. Last evaluated: 2023-06-27. Review status: criteria provided, single submitter. Criteria: Invitae Variant Classification Sherloc (09022015). Collection method: clinical testing. Allele origin: germline.
Comment: This sequence change creates a premature translational stop signal (p.Ser664Leufs*34) in the TSC2 gene. It is expected to result in an absent or disrupted protein product. Loss-of-function variants in TSC2 are known to be pathogenic (PMID: 10205261, 17304050). This variant is not present in population databases (gnomAD no frequency). This premature translational stop signal has been observed in individual(s) with tuberous sclerosis complex (PMID: 32461669). Algorithms developed to predict the effect of sequence changes on RNA splicing suggest that this variant may disrupt the consensus splice site. For these reasons, this variant has been classified as Pathogenic.

Literature cited by the submitters: PubMed 10205261; PubMed 17304050; PubMed 32461669.

NM_000548.5(TSC2):c.1990del (p.Ser664fs)

Gene: TSC2 (TSC complex subunit 2; plus strand). Cytogenetic location: 16p13.3.
Variant type: Deletion.
Coding change: c.1990del on transcript NM_000548.5 (MANE Select); coding-DNA position 1990, one base deleted (T; older notation c.1990delT).
Protein change: p.Ser664fs; shifts the reading frame from serine 664.
Molecular consequence: frameshift variant. On other transcripts: non-coding transcript variant (5).
Genome position (GRCh38, 1-based): chr16:2,071,827, T deleted; the last of 3 consecutive T bases (chr16:2,071,825-2,071,827); deleting any one gives the same sequence. VCF-style (leftmost placement, unchanged base first): chr16-2071824-CT-C. GRCh37 (hg19) VCF-style: chr16-2121825-CT-C.
Other names: c.646del, p.Ser216fs (NM_001406694.1, NM_001406695.1, NM_001406696.1 and 6 more transcripts); c.388del, p.Ser130fs (NM_001406698.1); c.1990del, p.Ser664fs (NM_021055.3, NM_001077183.3, NM_001114382.3 and 6 more transcripts); c.1879del, p.Ser627fs (NM_001318827.2, NM_001406670.1, NM_001406678.1); c.1843del, p.Ser615fs (NM_001318829.2, NM_001406675.1, NM_001406676.1 and 1 more transcripts); c.1390del, p.Ser464fs (NM_001318831.2, NM_001406680.1, NM_001406682.1 and 6 more transcripts); c.2023del, p.Ser675fs (NM_001318832.2); c.2080del, p.Ser694fs (NM_001406667.1, NM_001406668.1); and 3 more; short protein forms S130fs, S510fs, S675fs, S645fs, S694fs, S627fs, S660fs, S664fs.
Identifiers: ClinVar variation 2780313 (VCV002780313.3), dbSNP rs2543698349, ClinGen allele CA2695221357.